The following is an entry in ClinVar:

NM_005630.3(SLCO2A1):c.664G>A (p.Gly222Arg)

Gene: SLCO2A1 (solute carrier organic anion transporter family member 2A1; minus strand). Cytogenetic location: 3q22.1.
Variant type: single nucleotide variant.
Coding change: c.664G>A on transcript NM_005630.3 (MANE Select); coding-DNA position 664, G replaced by A.
Protein change: p.Gly222Arg; replaces glycine 222 with arginine.
Molecular consequence: missense variant.
Genome position (GRCh38, 1-based): chr3:133,953,723, C>T on the plus strand (G>A on the coding strand, the complement: SLCO2A1 is on the minus strand). VCF-style: chr3-133953723-C-T. GRCh37 (hg19) VCF-style: chr3-133672567-C-T.
Other names: short protein forms G222R.
Identifiers: ClinVar variation 438675 (VCV000438675.10), dbSNP rs774795340, ClinGen allele CA2626753.

ClinVar aggregate classification (germline): Pathogenic. Review status: criteria provided, single submitter (1 of 4 stars). 4 submissions from 3 submitters: Pathogenic (1). 3 of the submissions do not count toward it. Last evaluated 2025-08-11.

Conditions:
Hypertrophic osteoarthropathy, primary, autosomal recessive, 2 (PHOAR2E). Also called: PHOAR2-enteropathy syndrome; PACHYDERMOPERIOSTOSIS, AUTOSOMAL RECESSIVE; PDP, AUTOSOMAL RECESSIVE; HYPERTROPHIC OSTEOARTHROPATHY, PRIMARY, AUTOSOMAL RECESSIVE, 2/ENTEROPATHY SYNDROME. Identifiers: Orphanet 2796, MedGen C3280800, MONDO:0013756, OMIM 614441.
Hypertrophic osteoarthropathy, primary, autosomal dominant. Also called: PACHYDERMOPERIOSTOSIS, AUTOSOMAL DOMINANT; PDP, AUTOSOMAL DOMINANT; PHO, AUTOSOMAL DOMINANT; PHOAD. Identifiers: Orphanet 2796, MedGen C2674695, MONDO:0008172, OMIM 167100.

Allele frequency attached by ClinVar (database versions not stated): TOPMed below 0.00001; ExAC 0.00001; gnomAD exomes 0.00001.
gnomAD v4.1: 11 of 1,614,104 alleles (0.00068%); highest among the groups gnomAD compares: East Asian, 0.0045%; no homozygotes.

Submissions (5):

Labcorp Genetics (formerly Invitae), Labcorp
Classification: Pathogenic. Last evaluated: 2025-08-11. Review status: criteria provided, single submitter. Criteria: Invitae Variant Classification Sherloc (09022015). Collection method: clinical testing. Allele origin: germline.
Comment: This sequence change replaces glycine, which is neutral and non-polar, with arginine, which is basic and polar, at codon 222 of the SLCO2A1 protein (p.Gly222Arg). This variant is not present in population databases (gnomAD no frequency). This missense change has been observed in individual(s) with hypertrophic osteoarthropathy (PMID: 22197487, 22553128, 23509104, 26539716). In at least one individual the data is consistent with being in trans (on the opposite chromosome) from a pathogenic variant. ClinVar contains an entry for this variant (Variation ID: 438675). Invitae Evidence Modeling of protein sequence and biophysical properties (such as structural, functional, and spatial information, amino acid conservation, physicochemical variation, residue mobility, and thermodynamic stability) indicates that this missense variant is expected to disrupt SLCO2A1 protein function with a positive predictive value of 95%. Algorithms developed to predict the effect of sequence changes on RNA splicing suggest that this variant may create or strengthen a splice site. For these reasons, this variant has been classified as Pathogenic.

Bioscientia Institut fuer Medizinische Diagnostik GmbH, Sonic Healthcare
Classification: Pathogenic for Hypertrophic osteoarthropathy, primary, autosomal recessive, 2. Last evaluated: 2017-04-20. Review status: no assertion criteria provided. Collection method: clinical testing. Allele origin: germline. Affected: yes. Not counted in ClinVar's aggregate classification.

OMIM
Classification: Pathogenic for PHOAR2-ENTEROPATHY SYNDROME. Last evaluated: 2012-08-01. Review status: no assertion criteria provided. Collection method: literature only. Allele origin: germline. Not counted in ClinVar's aggregate classification.

OMIM
Classification: Pathogenic for HYPERTROPHIC OSTEOARTHROPATHY, PRIMARY, AUTOSOMAL DOMINANT. Last evaluated: 2012-08-01. Review status: no assertion criteria provided. Collection method: literature only. Allele origin: germline. Not counted in ClinVar's aggregate classification.

Dr. Peter K. Rogan Lab, Western University
No classification provided (evidence only). Condition: Cervical cancer. Review status: no classification provided. Collection method: in vitro. Allele origin: not applicable. Functional consequence: retained intron. Not counted in ClinVar's aggregate classification.

Literature cited by the submitters: PubMed 22197487 (cited by Labcorp Genetics (formerly Invitae), Labcorp and OMIM); PubMed 22553128 (cited by Labcorp Genetics (formerly Invitae), Labcorp and OMIM); PubMed 23509104 (cited by Labcorp Genetics (formerly Invitae), Labcorp and OMIM); PubMed 26539716 (cited by Labcorp Genetics (formerly Invitae), Labcorp and OMIM); PubMed 33852188 (cited by OMIM); PubMed 28425581 (cited by OMIM).